The following is an entry in ClinVar:

NM_004628.5(XPC):c.259G>C (p.Val87Leu)

Gene: XPC (XPC complex subunit, DNA damage recognition and repair factor; minus strand). Cytogenetic location: 3p25.1.
Variant type: single nucleotide variant.
Coding change: c.259G>C on transcript NM_004628.5 (MANE Select); coding-DNA position 259, G replaced by C.
Protein change: p.Val87Leu; replaces valine 87 with leucine.
Molecular consequence: missense variant. On other transcripts: 5 prime UTR variant (1), non-coding transcript variant (2).
Genome position (GRCh38, 1-based): chr3:14,172,907, C>G on the plus strand (G>C on the coding strand, the complement: XPC is on the minus strand). VCF-style: chr3-14172907-C-G. GRCh37 (hg19) VCF-style: chr3-14214407-C-G.
Other names: c.-197G>C (NM_001354726.2); c.259G>C, p.Val87Leu (NM_001354727.2, NM_001354730.2); c.241G>C, p.Val81Leu (NM_001354729.2); short protein forms V81L, V87L.
Identifiers: ClinVar variation 1692825 (VCV001692825.7), dbSNP rs374572265, ClinGen allele CA2267769.

ClinVar aggregate classification (germline): Uncertain significance. Review status: criteria provided, multiple submitters, no conflicts (2 of 4 stars). 4 submissions from 4 submitters: Uncertain significance (4). Last evaluated 2025-05-25.

Conditions:
Xeroderma pigmentosum, group C (XPC). Also called: XPC-Related Xeroderma Pigmentosum; Xeroderma pigmentosum, complementation group C; XERODERMA PIGMENTOSUM III; XP, GROUP C. Identifiers: Orphanet 910, MedGen C2752147, MONDO:0010211, OMIM 278720.
Inborn genetic diseases. Identifiers: MedGen C0950123, MeSH D030342.
Xeroderma pigmentosum (XP). Identifiers: Orphanet 910, MedGen C0043346, MONDO:0019600.

Allele frequency attached by ClinVar (database versions not stated): ExAC 0.00002; ESP Exome Variant Server 0.00008; gnomAD 0.00011 and 0.00014; TOPMed 0.00014.
gnomAD v4.1: 29 of 1,613,860 alleles (0.0018%); highest among the groups gnomAD compares: African/African-American, 0.033%; no homozygotes.

Submissions (4):

GeneDx
Classification: Uncertain significance. Last evaluated: 2025-05-25. Review status: criteria provided, single submitter. Criteria: GeneDx Variant Classification Process June 2021. Collection method: clinical testing. Allele origin: germline. Affected: yes.
Comment: In silico analysis suggests that this missense variant does not alter protein structure/function; Has not been previously published as pathogenic or benign to our knowledge

Ambry Genetics
Classification: Uncertain significance for Inborn genetic diseases. Last evaluated: 2023-08-15. Review status: criteria provided, single submitter. Criteria: Ambry Variant Classification Scheme 2023. Collection method: clinical testing. Allele origin: germline.

Sema4
Classification: Uncertain significance for Xeroderma pigmentosum. Last evaluated: 2021-12-18. Review status: criteria provided, single submitter. Criteria: Sema4 Curation Guidelines. Collection method: curation. Allele origin: germline.
Comment: The XPC c.259G>C (p.V87L) variant has not been reported in the literature to our knowledge. It was observed in 8/24196 chromosomes of the African/African American subpopulation in the large and broad cohorts of the Genome Aggregation Database (PMID: 32461654). The variant has not been reported in ClinVar. In silico tools suggest the impact of the variant on protein function is benign, though these predictions have not been confirmed by functional studies. The evidence is insufficient to meet ACMG/AMP criteria for classifying the variant as benign or pathogenic. Thus, the clinical significance of this variant is currently uncertain.

Revvity Omics, Revvity
Classification: Uncertain significance for Xeroderma pigmentosum, group C. Last evaluated: 2019-01-21. Review status: criteria provided, single submitter. Criteria: ACMG Guidelines, 2015. Collection method: clinical testing. Allele origin: germline.